The following is an entry in ClinVar:

NM_006531.5(IFT88):c.1682+6T>G

Gene: IFT88 (intraflagellar transport 88; plus strand). Cytogenetic location: 13q12.11.
Variant type: single nucleotide variant.
Coding change: c.1682+6T>G on transcript NM_006531.5 (MANE Select); 6 bases into the intron after coding-DNA position 1682, T replaced by G.
Molecular consequence: intron variant.
Genome position (GRCh38, 1-based): chr13:20,641,404, T>G. VCF-style: chr13-20641404-T-G. GRCh37 (hg19) VCF-style: chr13-21215543-T-G.
Other names: c.1625+6T>G (NM_001318491.2, NM_001353575.2); c.1538+6T>G (NM_001353573.2); c.1523+6T>G (NM_001353574.2); c.1709+6T>G (NM_001353567.2, NM_001318493.2, NM_175605.5 and 2 more transcripts); c.1682+6T>G (NM_001353572.2, NM_001353568.2); c.1580+6T>G (NM_001353571.2, NM_001353578.2); c.1049+6T>G (NM_001353579.2); c.1607+6T>G (NM_001353570.2, NM_001353576.2, NM_001353577.2 and 1 more transcripts).
Identifiers: ClinVar variation 3606519 (VCV003606519.2).

ClinVar aggregate classification (germline): Uncertain significance (1 of 4 stars; one submission).

gnomAD v4.1: 2 of 1,558,712 alleles (0.00013%); highest among the groups gnomAD compares: Admixed American, 0.0034%; no homozygotes.

Submission:

Labcorp Genetics (formerly Invitae), Labcorp
Classification: Uncertain significance. Last evaluated: 2024-12-07. Review status: criteria provided, single submitter. Criteria: Invitae Variant Classification Sherloc (09022015). Collection method: clinical testing. Allele origin: germline.
Comment: This sequence change falls in intron 20 of the IFT88 gene. It does not directly change the encoded amino acid sequence of the IFT88 protein. It affects a nucleotide within the consensus splice site. This variant is not present in population databases (gnomAD no frequency). This variant has not been reported in the literature in individuals affected with IFT88-related conditions. Variants that disrupt the consensus splice site are a relatively common cause of aberrant splicing (PMID: 17576681, 9536098). Algorithms developed to predict the effect of sequence changes on RNA splicing suggest that this variant is not likely to affect RNA splicing. In summary, the available evidence is currently insufficient to determine the role of this variant in disease. Therefore, it has been classified as a Variant of Uncertain Significance.

Literature cited by the submitters: PubMed 17576681; PubMed 9536098.